The following is an entry in ClinVar:

ClinVar aggregate classification (germline): Likely pathogenic. Review status: criteria provided, single submitter (1 of 4 stars). 2 submissions from 1 submitter: Likely pathogenic (1). 1 of the submissions does not count toward it. Last evaluated 2022-12-17.

Conditions:
Finnish congenital nephrotic syndrome (NPHS1). Also called: NEPHROTIC SYNDROME, TYPE 1. Identifiers: Orphanet 839, MedGen C0403399, MONDO:0009732, OMIM 256300.

Submissions (2):

Dubai Health Genomic Medicine Center, Dubai Health
Classification: Likely pathogenic. Last evaluated: 2022-12-17. Review status: criteria provided, single submitter. Criteria: ACMG Guidelines, 2015. Collection method: clinical testing. Allele origin: germline. Affected: yes.

Dubai Health Genomic Medicine Center, Dubai Health
Classification: Likely pathogenic for Finnish congenital nephrotic syndrome. Last evaluated: 2020-03-26. Review status: flagged submission. Criteria: ACMG Guidelines, 2015. Collection method: clinical testing. Allele origin: germline. Affected: yes. Not counted in ClinVar's aggregate classification.
Comment: The 2071+1G>T variant in NPHS1 has not been previously reported in individuals with disease and is absent from large population studies such as the Genome Aggregation Database (gnomAD) and the Greater Middle East (GME) Variome database. This variant occurs in the invariant region (+/- 1/2) of the splice consensus sequence and is predicted to cause altered splicing leading to an abnormal or absent protein. In summary this variant meets our criteria to be classified as likely pathogenic. Biallelic variants in NPHS1 are the most frequent causes of congenital nephrotic syndrome.
ClinVar note: Reason: This record appears to be redundant with a more recent record from the same submitter.
ClinVar note: Notes: SCV001984313 appears to be redundant with SCV002818129.

NM_004646.4(NPHS1):c.2071+1G>T

Gene: NPHS1 (NPHS1 adhesion molecule, nephrin; minus strand). Cytogenetic location: 19q13.12.
Variant type: single nucleotide variant.
Coding change: c.2071+1G>T on transcript NM_004646.4 (MANE Select); the canonical splice donor site of the intron after coding-DNA position 2071, G replaced by T.
Molecular consequence: splice donor variant.
Genome position (GRCh38, 1-based): chr19:35,844,318, C>A on the plus strand (G>T on the coding strand, the complement: NPHS1 is on the minus strand). VCF-style: chr19-35844318-C-A. GRCh37 (hg19) VCF-style: chr19-36335220-C-A.
Identifiers: ClinVar variation 1301670 (VCV001301670.2), dbSNP rs2146822164, ClinGen allele CA405397666.